The following is an entry in ClinVar:

NM_018051.5(DYNC2I1):c.1637C>T (p.Thr546Met)

Gene: DYNC2I1 (dynein 2 intermediate chain 1; plus strand). Cytogenetic location: 7q36.3.
Variant type: single nucleotide variant.
Coding change: c.1637C>T on transcript NM_018051.5 (MANE Select); coding-DNA position 1637, C replaced by T.
Protein change: p.Thr546Met; replaces threonine 546 with methionine.
Molecular consequence: missense variant.
Genome position (GRCh38, 1-based): chr7:158,913,031, C>T. VCF-style: chr7-158913031-C-T. GRCh37 (hg19) VCF-style: chr7-158705722-C-T.
Other names: c.1499C>T, p.Thr500Met (NM_001350914.2); c.1064C>T, p.Thr355Met (NM_001350915.2); c.176C>T, p.Thr59Met (NM_001350916.2); c.389C>T, p.Thr130Met (NM_001350917.2, NM_001350918.2); short protein forms T130M, T355M, T546M, T500M, T59M.
Identifiers: ClinVar variation 1042402 (VCV001042402.6), dbSNP rs1847645148, ClinGen allele CA370191168.

ClinVar aggregate classification (germline): Uncertain significance (1 of 4 stars; one submission).

Conditions:
Short-rib thoracic dysplasia 8 with or without polydactyly (SRTD8). Also called: SHORT-RIB THORACIC DYSPLASIA 8 WITH POLYDACTYLY. Identifiers: Orphanet 93271, MedGen C3809691, MONDO:0014214, OMIM 615503.

Allele frequency attached by ClinVar (database versions not stated): gnomAD exomes below 0.00001; TOPMed 0.00001.
gnomAD v4.1: 5 of 1,613,304 alleles (0.00031%); highest among the groups gnomAD compares: East Asian, 0.0022%; no homozygotes.

Submission:

Labcorp Genetics (formerly Invitae), Labcorp
Classification: Uncertain significance for Short-rib thoracic dysplasia 8 with or without polydactyly. Last evaluated: 2021-08-27. Review status: criteria provided, single submitter. Criteria: Invitae Variant Classification Sherloc (09022015). Collection method: clinical testing. Allele origin: germline.
Comment: This sequence change replaces threonine with methionine at codon 546 of the WDR60 protein (p.Thr546Met). The threonine residue is highly conserved and there is a moderate physicochemical difference between threonine and methionine. This variant is not present in population databases (ExAC no frequency). This missense change has been observed in individual(s) with clinical features of short-rib thoracic dysplasia (Invitae). Algorithms developed to predict the effect of missense changes on protein structure and function (SIFT, PolyPhen-2, Align-GVGD) all suggest that this variant is likely to be disruptive. In summary, the available evidence is currently insufficient to determine the role of this variant in disease. Therefore, it has been classified as a Variant of Uncertain Significance.